The following is an entry in ClinVar:

ClinVar aggregate classification (germline): Conflicting classifications of pathogenicity. Review status: criteria provided, conflicting classifications (1 of 4 stars). 4 submissions from 4 submitters: Uncertain significance (1); Likely benign (3). Last evaluated 2026-01-01.

Conditions:
Inborn genetic diseases. Identifiers: MedGen C0950123, MeSH D030342.
Fanconi anemia (FA). Also called: Fanconi's anemia. Identifiers: Orphanet 84, MedGen C0015625, MeSH D005199, MONDO:0019391.
Fanconi anemia complementation group B (FANCB). Also called: FANCB-Related Fanconi Anemia; FANCONI PANCYTOPENIA, TYPE 2. Identifiers: Orphanet 84, MedGen C1845292, MONDO:0010351, OMIM 300514.

Allele frequency attached by ClinVar (database versions not stated): ExAC 0.00003; gnomAD exomes 0.00003; TOPMed 0.00005; gnomAD 0.00007 and 0.00008; ESP Exome Variant Server 0.00019.
gnomAD v4.1: 42 of 1,208,621 alleles (0.0035%); highest among the groups gnomAD compares: Non-Finnish European, 0.0041%; no homozygotes.

Submissions (4):

Labcorp Genetics (formerly Invitae), Labcorp
Classification: Likely benign for Fanconi anemia. Last evaluated: 2026-01-01. Review status: criteria provided, single submitter. Criteria: Invitae Variant Classification Sherloc (09022015). Collection method: clinical testing. Allele origin: germline.

Ambry Genetics
Classification: Likely benign for Inborn genetic diseases. Last evaluated: 2025-06-30. Review status: criteria provided, single submitter. Criteria: Ambry Variant Classification Scheme 2023. Collection method: clinical testing. Allele origin: germline.

CeGaT Center for Human Genetics Tuebingen
Classification: Likely benign. Last evaluated: 2025-01-01. Review status: criteria provided, single submitter. Criteria: CeGaT Center For Human Genetics Tuebingen Variant Classification Criteria Version 2. Collection method: clinical testing. Allele origin: germline. Affected: yes. Observed: 2 variant alleles.
Comment: FANCB: BP4, BS2

Revvity Omics, Revvity
Classification: Uncertain significance for Fanconi anemia complementation group B. Last evaluated: 2020-12-13. Review status: criteria provided, single submitter. Criteria: ACMG Guidelines, 2015. Collection method: clinical testing. Allele origin: germline.

NM_001018113.3(FANCB):c.833A>G (p.Gln278Arg)

Gene: FANCB (FA complementation group B; minus strand). Cytogenetic location: Xp22.2.
Variant type: single nucleotide variant.
Coding change: c.833A>G on transcript NM_001018113.3 (MANE Select); coding-DNA position 833, A replaced by G.
Protein change: p.Gln278Arg; replaces glutamine 278 with arginine.
Molecular consequence: missense variant.
Genome position (GRCh38, 1-based): chrX:14,864,678, T>C on the plus strand (A>G on the coding strand, the complement: FANCB is on the minus strand). VCF-style: chrX-14864678-T-C. GRCh37 (hg19) VCF-style: chrX-14882800-T-C.
Other names: c.833A>G, p.Gln278Arg (NM_001324162.2, NM_152633.4); short protein forms Q278R.
Identifiers: ClinVar variation 655456 (VCV000655456.53), dbSNP rs150435015, ClinGen allele CA10353165.